The following is an entry in ClinVar:

ClinVar aggregate classification (germline): Uncertain significance (1 of 4 stars; one submission).

Conditions:
Majeed syndrome (MJDS). Also called: LPIN2-Related Majeed Syndrome; CHRONIC RECURRENT MULTIFOCAL OSTEOMYELITIS 1, WITH CONGENITAL DYSERYTHROPOIETIC ANEMIA, WITH OR WITHOUT NEUTROPHILIC DERMATOSIS. Identifiers: Orphanet 77297, MedGen C1864997, MONDO:0012316, OMIM 609628.

Allele frequency attached by ClinVar (database versions not stated): TOPMed below 0.00001; gnomAD 0.00001.
gnomAD v4.1: 2 of 1,613,954 alleles (0.00012%); highest among the groups gnomAD compares: East Asian, 0.0022%; no homozygotes.

Submission:

Labcorp Genetics (formerly Invitae), Labcorp
Classification: Uncertain significance for Majeed syndrome. Last evaluated: 2022-08-31. Review status: criteria provided, single submitter. Criteria: Invitae Variant Classification Sherloc (09022015). Collection method: clinical testing. Allele origin: germline.
Comment: In summary, the available evidence is currently insufficient to determine the role of this variant in disease. Therefore, it has been classified as a Variant of Uncertain Significance. Algorithms developed to predict the effect of missense changes on protein structure and function (SIFT, PolyPhen-2, Align-GVGD) all suggest that this variant is likely to be tolerated. ClinVar contains an entry for this variant (Variation ID: 1477815). This variant has not been reported in the literature in individuals affected with LPIN2-related conditions. This variant is not present in population databases (gnomAD no frequency). This sequence change replaces proline, which is neutral and non-polar, with serine, which is neutral and polar, at codon 251 of the LPIN2 protein (p.Pro251Ser).

NM_001375808.2(LPIN2):c.751C>T (p.Pro251Ser)

Gene: LPIN2 (lipin 2; minus strand). Cytogenetic location: 18p11.31.
Variant type: single nucleotide variant.
Coding change: c.751C>T on transcript NM_001375808.2 (MANE Select); coding-DNA position 751, C replaced by T.
Protein change: p.Pro251Ser; replaces proline 251 with serine.
Molecular consequence: missense variant.
Genome position (GRCh38, 1-based): chr18:2,939,551, G>A on the plus strand (C>T on the coding strand, the complement: LPIN2 is on the minus strand). VCF-style: chr18-2939551-G-A. GRCh37 (hg19) VCF-style: chr18-2939549-G-A.
Other names: c.751C>T, p.Pro251Ser (NM_001375809.1, NM_014646.2); short protein forms P251S.
Identifiers: ClinVar variation 1477815 (VCV001477815.8), dbSNP rs1350091087, ClinGen allele CA401707295.